The following is an entry in ClinVar:

ClinVar aggregate classification (germline): Uncertain significance. Review status: criteria provided, multiple submitters, no conflicts (2 of 4 stars). 2 submissions from 2 submitters: Uncertain significance (2). Last evaluated 2024-01-01.

Conditions:
Cardiovascular phenotype. Identifiers: MedGen CN230736.

Allele frequency attached by ClinVar (database versions not stated): TOPMed 0.00001.
gnomAD v4.1: 4 of 1,614,172 alleles (0.00025%); highest among the groups gnomAD compares: Non-Finnish European, 0.00034%; no homozygotes.

Submissions (2):

Ambry Genetics
Classification: Uncertain significance for Cardiovascular phenotype. Last evaluated: 2024-01-01. Review status: criteria provided, single submitter. Criteria: Ambry Variant Classification Scheme 2023. Collection method: clinical testing. Allele origin: germline.
Comment: The p.S41N variant (also known as c.122G>A), located in coding exon 2 of the ABCG8 gene, results from a G to A substitution at nucleotide position 122. The serine at codon 41 is replaced by asparagine, an amino acid with highly similar properties. This amino acid position is conserved. In addition, this alteration is predicted to be tolerated by in silico analysis. Since supporting evidence is limited at this time, the clinical significance of this alteration remains unclear.

Labcorp Genetics (formerly Invitae), Labcorp
Classification: Uncertain significance. Last evaluated: 2021-09-05. Review status: criteria provided, single submitter. Criteria: Invitae Variant Classification Sherloc (09022015). Collection method: clinical testing. Allele origin: germline.
Comment: This sequence change replaces serine with asparagine at codon 41 of the ABCG8 protein (p.Ser41Asn). The serine residue is highly conserved and there is a small physicochemical difference between serine and asparagine. This variant is not present in population databases (ExAC no frequency). This variant has not been reported in the literature in individuals affected with ABCG8-related conditions. Algorithms developed to predict the effect of missense changes on protein structure and function are either unavailable or do not agree on the potential impact of this missense change (SIFT: "Deleterious"; PolyPhen-2: "Benign"; Align-GVGD: "Class C0"). In summary, the available evidence is currently insufficient to determine the role of this variant in disease. Therefore, it has been classified as a Variant of Uncertain Significance.

NM_022437.3(ABCG8):c.122G>A (p.Ser41Asn)

Gene: ABCG8 (ATP binding cassette subfamily G member 8; plus strand). Cytogenetic location: 2p21.
Variant type: single nucleotide variant.
Coding change: c.122G>A on transcript NM_022437.3 (MANE Select); coding-DNA position 122, G replaced by A.
Protein change: p.Ser41Asn; replaces serine 41 with asparagine.
Molecular consequence: missense variant.
Genome position (GRCh38, 1-based): chr2:43,844,565, G>A. VCF-style: chr2-43844565-G-A. GRCh37 (hg19) VCF-style: chr2-44071704-G-A.
Other names: c.122G>A, p.Ser41Asn (NM_001357321.2); c.122G>A (NM_022437.2); short protein forms S41N.
Identifiers: ClinVar variation 1382660 (VCV001382660.4), dbSNP rs772660192, ClinGen allele CA346663246.